The following is an entry in ClinVar:

NM_000742.4(CHRNA2):c.1368G>A (p.Gln456=)

Gene: CHRNA2 (cholinergic receptor nicotinic alpha 2 subunit; minus strand). Cytogenetic location: 8p21.2.
Variant type: single nucleotide variant.
Coding change: c.1368G>A on transcript NM_000742.4 (MANE Select); coding-DNA position 1368, G replaced by A.
Protein change: p.Gln456=; no amino-acid change (glutamine 456 retained).
Molecular consequence: synonymous variant.
Genome position (GRCh38, 1-based): chr8:27,463,075, C>T on the plus strand (G>A on the coding strand, the complement: CHRNA2 is on the minus strand). VCF-style: chr8-27463075-C-T. GRCh37 (hg19) VCF-style: chr8-27320592-C-T.
Other names: c.1323G>A, p.Gln441= (NM_001282455.2); c.891G>A, p.Gln297= (NM_001347705.2, NM_001347706.2); c.774G>A, p.Gln258= (NM_001347707.2, NM_001347708.2).
Identifiers: ClinVar variation 507656 (VCV000507656.5), dbSNP rs370957296, ClinGen allele CA174238425.

ClinVar aggregate classification (germline): Likely benign. Review status: criteria provided, multiple submitters, no conflicts (2 of 4 stars). 2 submissions from 2 submitters: Likely benign (2). Last evaluated 2023-06-24.

Conditions:
Familial sleep-related hypermotor epilepsy. Also called: Autosomal Dominant Sleep-Related Hypermotor (Hyperkinetic) Epilepsy. Identifiers: Orphanet 98784, MedGen C3696898, MONDO:0000030.

Allele frequency attached by ClinVar (database versions not stated): gnomAD exomes below 0.00001; ESP Exome Variant Server 0.00008; gnomAD 0.00001; TOPMed 0.00004.
gnomAD v4.1: 3 of 1,612,856 alleles (0.00019%); highest among the groups gnomAD compares: African/African-American, 0.004%; no homozygotes.

Submissions (2):

Labcorp Genetics (formerly Invitae), Labcorp
Classification: Likely benign. Last evaluated: 2023-06-24. Review status: criteria provided, single submitter. Criteria: Invitae Variant Classification Sherloc (09022015). Collection method: clinical testing. Allele origin: germline.

GeneDx
Classification: Likely benign. Last evaluated: 2017-02-23. Review status: criteria provided, single submitter. Criteria: GeneDx Variant Classification (06012015). Collection method: clinical testing. Allele origin: germline. Affected: yes.
Comment: This variant is considered likely benign or benign based on one or more of the following criteria: it is a conservative change, it occurs at a poorly conserved position in the protein, it is predicted to be benign by multiple in silico algorithms, and/or has population frequency not consistent with disease.